The following is an entry in ClinVar:

NM_001394062.1(MACF1):c.21803G>A (p.Arg7268His)

Gene: MACF1 (microtubule actin crosslinking factor 1; plus strand). Cytogenetic location: 1p34.3.
Variant type: single nucleotide variant.
Coding change: c.21803G>A on transcript NM_001394062.1 (MANE Select); coding-DNA position 21803, G replaced by A.
Protein change: p.Arg7268His; replaces arginine 7268 with histidine.
Molecular consequence: missense variant.
Genome position (GRCh38, 1-based): chr1:39,468,646, G>A. VCF-style: chr1-39468646-G-A. GRCh37 (hg19) VCF-style: chr1-39934318-G-A.
Other names: c.9863G>A, p.Arg3288His (NM_001397473.1); c.15608G>A, p.Arg5203His (NM_012090.5); short protein forms R3288H, R5203H, R7268H.
Identifiers: ClinVar variation 1699453 (VCV001699453.3), dbSNP rs2124125451, ClinGen allele CA339776418.

ClinVar aggregate classification (germline): Likely pathogenic (1 of 4 stars; one submission).

Conditions:
Lissencephaly 9 with complex brainstem malformation. Identifiers: Orphanet 572013, MedGen C5193029, MONDO:0032677, OMIM 618325.

Allele frequency attached by ClinVar (database versions not stated): gnomAD exomes below 0.00001.
gnomAD v4.1: 1 of 1,614,122 alleles (0.000062%); highest among the groups gnomAD compares: Non-Finnish European, 0.000085%; no homozygotes.

Submission:

Victorian Clinical Genetics Services, Murdoch Childrens Research Institute
Classification: Likely pathogenic for Lissencephaly 9 with complex brainstem malformation. Last evaluated: 2022-06-24. Review status: criteria provided, single submitter. Criteria: ACMG Guidelines, 2015. Collection method: clinical testing. Allele origin: germline. Inheritance: Autosomal dominant inheritance. Affected: yes.
Comment: Based on the classification scheme VCGS_Germline_v1.3.4, this variant is classified as Likely pathogenic. Following criteria are met: 0105 - The mechanism of disease for this gene is not clearly established. However, gain of function and dominant negative have both been suggested (PMID: 30471716). (I) 0107 - This gene is associated with autosomal dominant disease. (I) 0200 - Variant is predicted to result in a missense amino acid change from arginine to histidine. (I) 0251 - This variant is heterozygous. (I) 0301 - Variant is absent from gnomAD (both v2 and v3). (SP) 0501 - Missense variant consistently predicted to be damaging by multiple in silico tools or highly conserved with a major amino acid change. (SP) 0600 - Variant is located in the annotated GAR2 domain (NCBI, PMID: 30471716). (I) 0705 - No comparable missense variants have previous evidence for pathogenicity. (I) 0807 - This variant has no previous evidence of pathogenicity. (I) 0905 - No published segregation evidence has been identified for this variant. (I) 1007 - No published functional evidence has been identified for this variant. (SP) Legend: (SP) - Supporting pathogenic, (I) - Information, (SB) - Supporting benign

Literature cited by the submitters: PubMed 30471716.